The following is an entry in ClinVar:

NC_000013.10:g.(?_32918675)_(32921053_?)dup

Gene: BRCA2 (BRCA2 DNA repair associated; plus strand). Cytogenetic location: 13q13.1.
Variant type: Duplication.
Identifiers: ClinVar variation 1066327 (VCV001066327.8).

ClinVar aggregate classification (germline): Likely pathogenic (1 of 4 stars; one submission).

Conditions:
Hereditary breast ovarian cancer syndrome. Also called: Hereditary breast and ovarian cancer syndrome (HBOC); Breast and ovarian cancer; Hereditary breast and/or ovarian cancer syndrome; BRCA1- and BRCA2-Associated Hereditary Breast and Ovarian Cancer; Hereditary breast and ovarian cancer syndrome; Hereditary breast and ovarian cancer. Identifiers: Orphanet 145, MedGen C0677776, MeSH D061325, MONDO:0003582. Disease mechanism: loss of function.

Submission:

Labcorp Genetics (formerly Invitae), Labcorp
Classification: Likely pathogenic for Hereditary breast ovarian cancer syndrome. Last evaluated: 2023-12-19. Review status: criteria provided, single submitter. Criteria: Invitae Variant Classification Sherloc (09022015). Collection method: clinical testing. Allele origin: germline.
Comment: This variant results in a copy number gain of the genomic region encompassing exon(s) 12-13 of the BRCA2 gene. While the exact position of this variant cannot be determined from the data, sub-genic copy number gains are generally in tandem (PMID: 25640679). This variant is predicted to be out-of-frame, and may result in an absent or disrupted protein product. Loss-of-function variants in BRCA2 are known to be pathogenic (PMID: 20104584). This variant has not been reported in the literature in individuals affected with BRCA2-related conditions. In summary, the currently available evidence indicates that the variant is pathogenic, but additional data are needed to prove that conclusively. Therefore, this variant has been classified as Likely Pathogenic.

Literature cited by the submitters: PubMed 25640679; PubMed 20104584.